The following is an entry in ClinVar:

ClinVar aggregate classification (germline): Uncertain significance (1 of 4 stars; one submission).

Allele frequency attached by ClinVar (database versions not stated): gnomAD exomes below 0.00001; TOPMed 0.00001.
gnomAD v4.1: 3 of 1,531,326 alleles (0.0002%); highest among the groups gnomAD compares: Admixed American, 0.0017%; no homozygotes.

Submission:

Labcorp Genetics (formerly Invitae), Labcorp
Classification: Uncertain significance. Last evaluated: 2022-09-24. Review status: criteria provided, single submitter. Criteria: Invitae Variant Classification Sherloc (09022015). Collection method: clinical testing. Allele origin: germline.
Comment: In summary, the available evidence is currently insufficient to determine the role of this variant in disease. Therefore, it has been classified as a Variant of Uncertain Significance. This sequence change affects an acceptor splice site in intron 6 of the SPPL2A gene. It is expected to disrupt RNA splicing. Variants that disrupt the donor or acceptor splice site typically lead to a loss of protein function (PMID: 16199547), however the current clinical and genetic evidence is not sufficient to establish whether loss-of-function variants in SPPL2A cause disease. The frequency data for this variant in the population databases is considered unreliable, as metrics indicate poor data quality at this position in the gnomAD database. This variant has not been reported in the literature in individuals affected with SPPL2A-related conditions. Algorithms developed to predict the effect of sequence changes on RNA splicing suggest that this variant may disrupt the consensus splice site.

Literature cited by the submitters: PubMed 16199547.

NM_032802.4(SPPL2A):c.734-2A>G

Gene: SPPL2A (signal peptide peptidase like 2A; minus strand). Cytogenetic location: 15q21.2.
Variant type: single nucleotide variant.
Coding change: c.734-2A>G on transcript NM_032802.4 (MANE Select); the canonical splice acceptor site of the intron before coding-DNA position 734, A replaced by G.
Molecular consequence: splice acceptor variant.
Genome position (GRCh38, 1-based): chr15:50,736,742, T>C on the plus strand (A>G on the coding strand, the complement: SPPL2A is on the minus strand). VCF-style: chr15-50736742-T-C. GRCh37 (hg19) VCF-style: chr15-51028939-T-C.
Identifiers: ClinVar variation 2093360 (VCV002093360.4), dbSNP rs1312601185, ClinGen allele CA392412162.
Genomic context (GRCh38, chr15:50,736,742, plus strand): 5'-AAGACAGTTGTACAGACTCATTGCTGATGCTATGCAGAAAATTGCTATCATAACATAAAC[T>C]GAAAAAAACAAAACACTAAATTACATGAGAACAGAAGGAAAGGTGATAAGAAAATATTTA-3'